The following is an entry in ClinVar:

ClinVar aggregate classification (germline): Uncertain significance (1 of 4 stars; one submission).

Allele frequency attached by ClinVar (database versions not stated): ExAC 0.00001; TOPMed 0.00001; gnomAD 0.00002; gnomAD exomes 0.00002; ESP Exome Variant Server 0.00008.
gnomAD v4.1: 29 of 1,613,964 alleles (0.0018%); highest among the groups gnomAD compares: African/African-American, 0.0027%; no homozygotes.

Submission:

Labcorp Genetics (formerly Invitae), Labcorp
Classification: Uncertain significance. Last evaluated: 2022-05-12. Review status: criteria provided, single submitter. Criteria: Invitae Variant Classification Sherloc (09022015). Collection method: clinical testing. Allele origin: germline.
Comment: In summary, the available evidence is currently insufficient to determine the role of this variant in disease. Therefore, it has been classified as a Variant of Uncertain Significance. Algorithms developed to predict the effect of sequence changes on RNA splicing suggest that this variant may disrupt the consensus splice site. Algorithms developed to predict the effect of missense changes on protein structure and function are either unavailable or do not agree on the potential impact of this missense change (SIFT: "Deleterious"; PolyPhen-2: "Benign"; Align-GVGD: "Class C0"). This variant has not been reported in the literature in individuals affected with BMPER-related conditions. This variant is present in population databases (rs373184533, gnomAD 0.007%). This sequence change replaces glutamic acid, which is acidic and polar, with glycine, which is neutral and non-polar, at codon 140 of the BMPER protein (p.Glu140Gly).

NM_001365308.1(BMPER):c.419A>G (p.Glu140Gly)

Gene: BMPER (BMP binding endothelial regulator; plus strand). Cytogenetic location: 7p14.3.
Variant type: single nucleotide variant.
Coding change: c.419A>G on transcript NM_001365308.1 (MANE Select); coding-DNA position 419, A replaced by G.
Protein change: p.Glu140Gly; replaces glutamic acid 140 with glycine.
Molecular consequence: missense variant.
Genome position (GRCh38, 1-based): chr7:33,970,345, A>G. VCF-style: chr7-33970345-A-G. GRCh37 (hg19) VCF-style: chr7-34009957-A-G.
Other names: c.419A>G, p.Glu140Gly (NM_001410872.1, NM_133468.5); short protein forms E140G.
Identifiers: ClinVar variation 2415272 (VCV002415272.6), dbSNP rs373184533, ClinGen allele CA4215065.